The following is an entry in ClinVar:

ClinVar aggregate classification (germline): Uncertain significance. Review status: criteria provided, multiple submitters, no conflicts (2 of 4 stars). 2 submissions from 2 submitters: Uncertain significance (2). Last evaluated 2024-07-15.

Conditions:
H syndrome. Also called: Pigmented hypertrichosis and insulin-dependent diabetes mellitus; Histiocytosis with joint contractures and sensorineural deafness; Asrar Facharzt Haque syndrome; FAISALABAD HISTIOCYTOSIS; HISTIOCYTOSIS AND LYMPHADENOPATHY WITH OR WITHOUT CUTANEOUS, CARDIAC, AND/OR ENDOCRINE FEATURES, JOINT CONTRACTURES, AND/OR DEAFNESS; HYPERPIGMENTATION, CUTANEOUS, WITH HYPERTRICHOSIS, HEPATOSPLENOMEGALY, HEART ANOMALIES, AND HYPOGONADISM WITH OR WITHOUT HEARING LOSS. Identifiers: Orphanet 168569, MedGen C1864445, MONDO:0011273, OMIM 602782.

Allele frequency attached by ClinVar (database versions not stated): gnomAD 0.00001 and 0.00003; gnomAD exomes 0.00002 and 0.00006; ExAC 0.00003; 1000 Genomes Project 30x 0.00016; 1000 Genomes Project 0.00020.
gnomAD v4.1: 83 of 1,614,140 alleles (0.0051%); highest among the groups gnomAD compares: East Asian, 0.18%; no homozygotes.

Submissions (2):

Labcorp Genetics (formerly Invitae), Labcorp
Classification: Uncertain significance for H syndrome. Last evaluated: 2024-07-15. Review status: criteria provided, single submitter. Criteria: Invitae Variant Classification Sherloc (09022015). Collection method: clinical testing. Allele origin: germline.
Comment: This sequence change replaces phenylalanine, which is neutral and non-polar, with leucine, which is neutral and non-polar, at codon 234 of the SLC29A3 protein (p.Phe234Leu). This variant is present in population databases (rs147015207, gnomAD 0.03%). This variant has not been reported in the literature in individuals affected with SLC29A3-related conditions. ClinVar contains an entry for this variant (Variation ID: 1486428). Advanced modeling of protein sequence and biophysical properties (such as structural, functional, and spatial information, amino acid conservation, physicochemical variation, residue mobility, and thermodynamic stability) has been performed at Invitae for this missense variant, however the output from this modeling did not meet the statistical confidence thresholds required to predict the impact of this variant on SLC29A3 protein function. In summary, the available evidence is currently insufficient to determine the role of this variant in disease. Therefore, it has been classified as a Variant of Uncertain Significance.

Blueprint Genetics
Classification: Uncertain significance. Last evaluated: 2019-04-15. Review status: criteria provided, single submitter. Criteria: ACMG Guidelines, 2015. Collection method: clinical testing. Allele origin: germline.

NM_018344.6(SLC29A3):c.700T>C (p.Phe234Leu)

Gene: SLC29A3 (solute carrier family 29 member 3; plus strand). Cytogenetic location: 10q22.1.
Variant type: single nucleotide variant.
Coding change: c.700T>C on transcript NM_018344.6 (MANE Select); coding-DNA position 700, T replaced by C.
Protein change: p.Phe234Leu; replaces phenylalanine 234 with leucine.
Molecular consequence: missense variant. On other transcripts: non-coding transcript variant (2).
Genome position (GRCh38, 1-based): chr10:71,356,170, T>C. VCF-style: chr10-71356170-T-C. GRCh37 (hg19) VCF-style: chr10-73115927-T-C.
Other names: c.700T>C, p.Phe234Leu (NM_001174098.2); c.466T>C, p.Phe156Leu (NM_001363518.2); short protein forms F234L, F156L.
Identifiers: ClinVar variation 1486428 (VCV001486428.9), dbSNP rs147015207, ClinGen allele CA5543024.